The following is an entry in ClinVar:

NM_001711.6(BGN):c.1096T>A (p.Tyr366Asn)

Gene: BGN (biglycan; plus strand). Cytogenetic location: Xq28.
Variant type: single nucleotide variant.
Coding change: c.1096T>A on transcript NM_001711.6 (MANE Select); coding-DNA position 1096, T replaced by A.
Protein change: p.Tyr366Asn; replaces tyrosine 366 with asparagine.
Molecular consequence: missense variant.
Genome position (GRCh38, 1-based): chrX:153,508,434, T>A. VCF-style: chrX-153508434-T-A. GRCh37 (hg19) VCF-style: chrX-152773892-T-A.
Other names: short protein forms Y366N.
Identifiers: ClinVar variation 2838005 (VCV002838005.3), dbSNP rs1556993791, ClinGen allele CA415072034.

ClinVar aggregate classification (germline): Uncertain significance (1 of 4 stars; one submission).

Submission:

Labcorp Genetics (formerly Invitae), Labcorp
Classification: Uncertain significance. Last evaluated: 2023-07-17. Review status: criteria provided, single submitter. Criteria: Invitae Variant Classification Sherloc (09022015). Collection method: clinical testing. Allele origin: germline.
Comment: In summary, the available evidence is currently insufficient to determine the role of this variant in disease. Therefore, it has been classified as a Variant of Uncertain Significance. An algorithm developed to predict the effect of missense changes on protein structure and function (PolyPhen-2) suggests that this variant is likely to be disruptive. This variant has not been reported in the literature in individuals affected with BGN-related conditions. This variant is not present in population databases (gnomAD no frequency). This sequence change replaces tyrosine, which is neutral and polar, with asparagine, which is neutral and polar, at codon 366 of the BGN protein (p.Tyr366Asn).